The following is an entry in ClinVar:

NM_000400.4(ERCC2):c.1097G>A (p.Cys366Tyr)

Gene: ERCC2 (ERCC excision repair 2, TFIIH core complex helicase subunit; minus strand). Cytogenetic location: 19q13.32.
Variant type: single nucleotide variant.
Coding change: c.1097G>A on transcript NM_000400.4 (MANE Select); coding-DNA position 1097, G replaced by A.
Protein change: p.Cys366Tyr; replaces cysteine 366 with tyrosine.
Molecular consequence: missense variant.
Genome position (GRCh38, 1-based): chr19:45,363,764, C>T on the plus strand (G>A on the coding strand, the complement: ERCC2 is on the minus strand). VCF-style: chr19-45363764-C-T. GRCh37 (hg19) VCF-style: chr19-45867022-C-T.
Other names: c.1097G>A (NM_000400.3); c.1025G>A, p.Cys342Tyr (NM_001130867.2); short protein forms C342Y, C366Y.
Identifiers: ClinVar variation 1375934 (VCV001375934.6), dbSNP rs1383264889, ClinGen allele CA406372101.

ClinVar aggregate classification (germline): Uncertain significance. Review status: criteria provided, multiple submitters, no conflicts (2 of 4 stars). 2 submissions from 2 submitters: Uncertain significance (2). Last evaluated 2024-12-11.

Conditions:
Inborn genetic diseases. Identifiers: MedGen C0950123, MeSH D030342.

Allele frequency attached by ClinVar (database versions not stated): gnomAD exomes below 0.00001; gnomAD 0.00001; TOPMed 0.00001.
gnomAD v4.1: 2 of 1,536,244 alleles (0.00013%); highest among the groups gnomAD compares: Admixed American, 0.0039%; no homozygotes.

Submissions (2):

Ambry Genetics
Classification: Uncertain significance for Inborn genetic diseases. Last evaluated: 2024-12-11. Review status: criteria provided, single submitter. Criteria: Ambry Variant Classification Scheme 2023. Collection method: clinical testing. Allele origin: germline.

Labcorp Genetics (formerly Invitae), Labcorp
Classification: Uncertain significance. Last evaluated: 2024-10-26. Review status: criteria provided, single submitter. Criteria: Invitae Variant Classification Sherloc (09022015). Collection method: clinical testing. Allele origin: germline.
Comment: This sequence change replaces cysteine, which is neutral and slightly polar, with tyrosine, which is neutral and polar, at codon 366 of the ERCC2 protein (p.Cys366Tyr). This variant is not present in population databases (gnomAD no frequency). This variant has not been reported in the literature in individuals affected with ERCC2-related conditions. ClinVar contains an entry for this variant (Variation ID: 1375934). Invitae Evidence Modeling of protein sequence and biophysical properties (such as structural, functional, and spatial information, amino acid conservation, physicochemical variation, residue mobility, and thermodynamic stability) indicates that this missense variant is not expected to disrupt ERCC2 protein function with a negative predictive value of 80%. In summary, the available evidence is currently insufficient to determine the role of this variant in disease. Therefore, it has been classified as a Variant of Uncertain Significance.